The following is an entry in ClinVar:

NM_016580.4(PCDH12):c.3142G>A (p.Asp1048Asn)

Gene: PCDH12 (protocadherin 12; minus strand). Cytogenetic location: 5q31.3.
Variant type: single nucleotide variant.
Coding change: c.3142G>A on transcript NM_016580.4 (MANE Select); coding-DNA position 3142, G replaced by A.
Protein change: p.Asp1048Asn; replaces aspartic acid 1048 with asparagine.
Molecular consequence: missense variant.
Genome position (GRCh38, 1-based): chr5:141,945,794, C>T on the plus strand (G>A on the coding strand, the complement: PCDH12 is on the minus strand). VCF-style: chr5-141945794-C-T. GRCh37 (hg19) VCF-style: chr5-141325359-C-T.
Other names: short protein forms D1048N.
Identifiers: ClinVar variation 1481799 (VCV001481799.8), dbSNP rs2126915232, ClinGen allele CA361565768.

ClinVar aggregate classification (germline): Uncertain significance (1 of 4 stars; one submission).

Submission:

Labcorp Genetics (formerly Invitae), Labcorp
Classification: Uncertain significance. Last evaluated: 2021-04-11. Review status: criteria provided, single submitter. Criteria: Invitae Variant Classification Sherloc (09022015). Collection method: clinical testing. Allele origin: germline.
Comment: In summary, the available evidence is currently insufficient to determine the role of this variant in disease. Therefore, it has been classified as a Variant of Uncertain Significance. Advanced modeling of protein sequence and biophysical properties (such as structural, functional, and spatial information, amino acid conservation, physicochemical variation, residue mobility, and thermodynamic stability) performed at Invitae indicates that this missense variant is not expected to disrupt PCDH12 protein function. This variant has not been reported in the literature in individuals with PCDH12-related conditions. This variant is not present in population databases (ExAC no frequency). This sequence change replaces aspartic acid with asparagine at codon 1048 of the PCDH12 protein (p.Asp1048Asn). The aspartic acid residue is moderately conserved and there is a small physicochemical difference between aspartic acid and asparagine.